The following is an entry in ClinVar:

NM_001040142.2(SCN2A):c.176G>A (p.Gly59Glu)

Gene: SCN2A (sodium voltage-gated channel alpha subunit 2; plus strand). Cytogenetic location: 2q24.3.
Variant type: single nucleotide variant.
Coding change: c.176G>A on transcript NM_001040142.2 (MANE Select); coding-DNA position 176, G replaced by A.
Protein change: p.Gly59Glu; replaces glycine 59 with glutamic acid.
Molecular consequence: missense variant.
Genome position (GRCh38, 1-based): chr2:165,295,999, G>A. VCF-style: chr2-165295999-G-A. GRCh37 (hg19) VCF-style: chr2-166152509-G-A.
Other names: c.176G>A, p.Gly59Glu (NM_001040143.2, NM_001371246.1, NM_001371247.1 and 1 more transcripts); short protein forms G59E.
Identifiers: ClinVar variation 4841023 (VCV004841023.1).

ClinVar aggregate classification (germline): Uncertain significance (1 of 4 stars; one submission).

Conditions:
Inborn genetic diseases. Identifiers: MedGen C0950123, MeSH D030342.

Submission:

Ambry Genetics
Classification: Uncertain significance for Inborn genetic diseases. Last evaluated: 2026-03-12. Review status: criteria provided, single submitter. Criteria: Ambry Variant Classification Scheme 2023. Collection method: clinical testing. Allele origin: germline.
Comment: The c.176G>A (p.G59E) alteration is located in exon 2 (coding exon 1) of the SCN2A gene. This alteration results from a G to A substitution at nucleotide position 176, causing the glycine (G) at amino acid position 59 to be replaced by a glutamic acid (E). This variant was not reported in population-based cohorts in the Genome Aggregation Database (gnomAD). This amino acid position is highly conserved in available vertebrate species. This alteration is predicted to be deleterious by in silico analysis. Based on insufficient or conflicting evidence, the clinical significance of this alteration remains unclear.